The following is an entry in ClinVar:

NM_005797.4(MPZL2):c.386C>G (p.Pro129Arg)

Gene: MPZL2 (myelin protein zero like 2; minus strand). Cytogenetic location: 11q23.3.
Variant type: single nucleotide variant.
Coding change: c.386C>G on transcript NM_005797.4 (MANE Select); coding-DNA position 386, C replaced by G.
Protein change: p.Pro129Arg; replaces proline 129 with arginine.
Molecular consequence: missense variant.
Genome position (GRCh38, 1-based): chr11:118,262,488, G>C on the plus strand (C>G on the coding strand, the complement: MPZL2 is on the minus strand). VCF-style: chr11-118262488-G-C. GRCh37 (hg19) VCF-style: chr11-118133203-G-C.
Other names: c.386C>G, p.Pro129Arg (NM_144765.3); short protein forms P129R.
Identifiers: ClinVar variation 1216057 (VCV001216057.13), dbSNP rs773599467, ClinGen allele CA6301377.
Genomic context (GRCh38, chr11:118,262,488, plus strand): 5'-CATAACCTACCAGTGTGCACGACGCTGAGCCGGATCTCCCCTATCACCCCATCAACATCA[G>C]GTGGGTTCTTCACCTGGCAGGTGTATGTCCCATTGTCGTCGAACTGCAGTTTCCAGAGAA-3'
Protein context (NP_005788.1, residues 119-139): GTYTCQVKNP[Pro129Arg]DVDGVIGEIR

ClinVar aggregate classification (germline): Conflicting classifications of pathogenicity. Review status: criteria provided, conflicting classifications (1 of 4 stars). 3 submissions from 3 submitters: Likely pathogenic (2); Likely benign (1). Last evaluated 2026-07-17.

Conditions:
MPZL2-related disorder. Also called: MPZL2-related condition.
Inborn genetic diseases. Identifiers: MedGen C0950123, MeSH D030342.

Allele frequency attached by ClinVar (database versions not stated): ExAC 0.00015.
gnomAD v4.1: 82 of 1,614,006 alleles (0.0051%); highest among the groups gnomAD compares: Admixed American, 0.13%; no homozygotes.

Submissions (3):

Ambry Genetics
Classification: Likely pathogenic for Inborn genetic diseases. Last evaluated: 2026-07-17. Review status: criteria provided, single submitter. Criteria: Ambry Variant Classification Scheme 2023. Collection method: clinical testing. Allele origin: germline.
Comment: The c.386C>G (p.P129R) alteration is located in exon 3 (coding exon 3) of the MPZL2 gene. This alteration results from a C to G substitution at nucleotide position 386, causing the proline (P) at amino acid position 129 to be replaced by an arginine (R). Based on data from gnomAD, the G allele has an overall frequency of 0.026% (72/282622) total alleles studied. The highest observed frequency was 0.203% (72/35432) of Latino alleles. This variant has been identified in the homozygous state and/or in conjunction with other MPZL2 variant(s) in individuals with features consistent with MPZL2-related non-syndromic hearing loss; in at least one instance, the variants were identified in trans (external communication). This amino acid position is highly conserved in available vertebrate species. The in silico prediction for this alteration is inconclusive. Based on the available evidence, this alteration is classified as likely pathogenic.

PreventionGenetics, part of Exact Sciences
Classification: Likely benign for MPZL2-related condition. Last evaluated: 2026-05-22. Review status: criteria provided, single submitter. Criteria: ACMG Guidelines, 2015. Collection method: clinical testing. Allele origin: germline.
Comment: This variant is classified as likely benign based on ACMG/AMP sequence variant interpretation guidelines (Richards et al. 2015 PMID: 25741868, with internal and published modifications).

GeneDx
Classification: Likely pathogenic. Last evaluated: 2025-11-02. Review status: criteria provided, single submitter. Criteria: GeneDx Variant Classification Process June 2021. Collection method: clinical testing. Allele origin: germline. Affected: yes.
Comment: In silico analysis supports that this missense variant has a deleterious effect on protein structure/function; Has not been previously published as pathogenic or benign to our knowledge